The following is an entry in ClinVar:

ClinVar aggregate classification (germline): Likely benign. Review status: criteria provided, multiple submitters, no conflicts (2 of 4 stars). 4 submissions from 4 submitters: Likely benign (4). Last evaluated 2025-10-29.

Conditions:
Cardiovascular phenotype. Identifiers: MedGen CN230736.
Dilated cardiomyopathy 1G (CMD1G). Identifiers: Orphanet 154, MedGen C1858763, MONDO:0011400, OMIM 604145.
Autosomal recessive limb-girdle muscular dystrophy type 2J (LGMDR10). Also called: MUSCULAR DYSTROPHY, LIMB-GIRDLE, AUTOSOMAL RECESSIVE 10; Limb-girdle muscular dystrophy, type 2J. Identifiers: Orphanet 140922, MedGen C1837342, MONDO:0012127, OMIM 608807.

Allele frequency attached by ClinVar (database versions not stated): ExAC 0.00001; gnomAD 0.00001 and 0.00002; gnomAD exomes 0.00001; TOPMed 0.00001.
gnomAD v4.1: 24 of 1,611,806 alleles (0.0015%); highest among the groups gnomAD compares: Non-Finnish European, 0.0016%; no homozygotes.

Submissions (4):

Labcorp Genetics (formerly Invitae), Labcorp
Classification: Likely benign for Dilated cardiomyopathy 1G; Autosomal recessive limb-girdle muscular dystrophy type 2J. Last evaluated: 2025-10-29. Review status: criteria provided, single submitter. Criteria: Invitae Variant Classification Sherloc (09022015). Collection method: clinical testing. Allele origin: germline.

CeGaT Center for Human Genetics Tuebingen
Classification: Likely benign. Last evaluated: 2025-01-01. Review status: criteria provided, single submitter. Criteria: CeGaT Center For Human Genetics Tuebingen Variant Classification Criteria Version 2. Collection method: clinical testing. Allele origin: germline. Affected: yes. Observed: 3 variant alleles.
Comment: TTN: BP4, BP7

Ambry Genetics
Classification: Likely benign for Cardiovascular phenotype. Last evaluated: 2022-02-14. Review status: criteria provided, single submitter. Criteria: Ambry Variant Classification Scheme 2023. Collection method: clinical testing. Allele origin: germline.

GeneDx
Classification: Likely benign. Last evaluated: 2018-10-04. Review status: criteria provided, single submitter. Criteria: GeneDx Variant Classification Process June 2021. Collection method: clinical testing. Allele origin: germline. Affected: yes.

NM_001267550.2(TTN):c.63432G>A (p.Arg21144=)

Genes: TTN (titin; minus strand), TTN-AS1 (TTN antisense RNA 1; plus strand). Cytogenetic location: 2q31.2.
Variant type: single nucleotide variant.
Coding change: c.63432G>A on transcript NM_001267550.2 (MANE Select); coding-DNA position 63432, G replaced by A.
Protein change: p.Arg21144=; no amino-acid change (arginine 21144 retained).
Molecular consequence: synonymous variant.
Genome position (GRCh38, 1-based): chr2:178,587,975, C>T on the plus strand (G>A on the coding strand, the complement: TTN is on the minus strand). VCF-style: chr2-178587975-C-T. GRCh37 (hg19) VCF-style: chr2-179452702-C-T.
Other names: c.58509G>A, p.Arg19503= (NM_001256850.1); c.36237G>A, p.Arg12079= (NM_003319.4); c.55728G>A, p.Arg18576= (NM_133378.4); c.36612G>A, p.Arg12204= (NM_133432.3); c.36813G>A, p.Arg12271= (NM_133437.4).
Identifiers: ClinVar variation 509683 (VCV000509683.39), dbSNP rs776520284, ClinGen allele CA1992090.